The following is an entry in ClinVar:

NM_006231.4(POLE):c.343G>A (p.Glu115Lys)

Gene: POLE (DNA polymerase epsilon, catalytic subunit; minus strand). Cytogenetic location: 12q24.33.
Variant type: single nucleotide variant.
Coding change: c.343G>A on transcript NM_006231.4 (MANE Select); coding-DNA position 343, G replaced by A.
Protein change: p.Glu115Lys; replaces glutamic acid 115 with lysine.
Molecular consequence: missense variant.
Genome position (GRCh38, 1-based): chr12:132,680,034, C>T on the plus strand (G>A on the coding strand, the complement: POLE is on the minus strand). VCF-style: chr12-132680034-C-T. GRCh37 (hg19) VCF-style: chr12-133256620-C-T.
Other names: c.343G>A (NM_006231.2); short protein forms E115K.
Identifiers: ClinVar variation 581561 (VCV000581561.12), dbSNP rs1565980334, ClinGen allele CA387368338.

ClinVar aggregate classification (germline): Uncertain significance. Review status: criteria provided, multiple submitters, no conflicts (2 of 4 stars). 3 submissions from 3 submitters: Uncertain significance (3). Last evaluated 2025-12-27.

Conditions:
Hereditary cancer-predisposing syndrome. Also called: Neoplastic Syndromes, Hereditary; Hereditary Cancer Syndrome; Tumor predisposition; Hereditary neoplastic syndrome. Identifiers: Orphanet 140162, MedGen C0027672, MeSH D009386, MONDO:0015356.

Allele frequency attached by ClinVar (database versions not stated): gnomAD exomes below 0.00001.
gnomAD v4.1: 7 of 1,613,740 alleles (0.00043%); highest among the groups gnomAD compares: Non-Finnish European, 0.00051%; no homozygotes.

Submissions (3):

Labcorp Genetics (formerly Invitae), Labcorp
Classification: Uncertain significance. Last evaluated: 2025-12-27. Review status: criteria provided, single submitter. Criteria: Invitae Variant Classification Sherloc (09022015). Collection method: clinical testing. Allele origin: germline.
Comment: This sequence change replaces glutamic acid, which is acidic and polar, with lysine, which is basic and polar, at codon 115 of the POLE protein (p.Glu115Lys). This variant is not present in population databases (gnomAD no frequency). This variant has not been reported in the literature in individuals affected with POLE-related conditions. ClinVar contains an entry for this variant (Variation ID: 581561). Invitae Evidence Modeling of protein sequence and biophysical properties (such as structural, functional, and spatial information, amino acid conservation, physicochemical variation, residue mobility, and thermodynamic stability) indicates that this missense variant is expected to disrupt POLE protein function with a positive predictive value of 80%. Algorithms developed to predict the effect of sequence changes on RNA splicing suggest that this variant may disrupt the consensus splice site. In summary, the available evidence is currently insufficient to determine the role of this variant in disease. Therefore, it has been classified as a Variant of Uncertain Significance.

Ambry Genetics
Classification: Uncertain significance for Hereditary cancer-predisposing syndrome. Last evaluated: 2025-03-10. Review status: criteria provided, single submitter. Criteria: Ambry Variant Classification Scheme 2023. Collection method: clinical testing. Allele origin: germline.
Comment: The p.E115K variant (also known as c.343G>A), located in coding exon 5 of the POLE gene, results from a G to A substitution at nucleotide position 343. The glutamic acid at codon 115 is replaced by lysine, an amino acid with similar properties. This amino acid position is conserved. In addition, the in silico prediction for this alteration is inconclusive. Based on the available evidence, the clinical significance of this variant remains unclear.

GeneDx
Classification: Uncertain significance. Last evaluated: 2024-07-17. Review status: criteria provided, single submitter. Criteria: GeneDx Variant Classification Process June 2021. Collection method: clinical testing. Allele origin: germline. Affected: yes.
Comment: Not observed at significant frequency in large population cohorts (gnomAD); In silico analysis supports that this missense variant has a deleterious effect on protein structure/function; Has not been previously published as pathogenic or benign to our knowledge; In silico analysis suggests this variant may impact gene splicing. In the absence of RNA/functional studies, the actual effect of this sequence change is unknown.